The following is an entry in ClinVar:

NM_004813.4(PEX16):c.999C>T (p.Tyr333=)

Gene: PEX16 (peroxisomal biogenesis factor 16; minus strand). Cytogenetic location: 11p11.2.
Variant type: single nucleotide variant.
Coding change: c.999C>T on transcript NM_004813.4 (MANE Select); coding-DNA position 999, C replaced by T.
Protein change: p.Tyr333=; no amino-acid change (tyrosine 333 retained).
Molecular consequence: synonymous variant. On other transcripts: intron variant (1).
Genome position (GRCh38, 1-based): chr11:45,910,266, G>A on the plus strand (C>T on the coding strand, the complement: PEX16 is on the minus strand). VCF-style: chr11-45910266-G-A. GRCh37 (hg19) VCF-style: chr11-45931817-G-A.
Other names: c.953-89C>T (NM_057174.3).
Identifiers: ClinVar variation 289740 (VCV000289740.19), dbSNP rs146657010, ClinGen allele CA5959719.

ClinVar aggregate classification (germline): Conflicting classifications of pathogenicity. Review status: criteria provided, conflicting classifications (1 of 4 stars). 4 submissions from 4 submitters: Uncertain significance (1); Likely benign (2). 1 of the submissions does not count toward it. Last evaluated 2026-01-09.

Conditions:
PEX16-related disorder. Also called: PEX16-related condition.
Peroxisome biogenesis disorder. Identifiers: Orphanet 79189, MedGen C1832200, MONDO:0019234. Disease mechanism: loss of function.

Allele frequency attached by ClinVar (database versions not stated): ESP Exome Variant Server 0.00008; ExAC 0.00009; gnomAD exomes 0.00012 and 0.00035; TOPMed 0.00012; 1000 Genomes Project 30x 0.00016; gnomAD 0.00016 and 0.00017; 1000 Genomes Project 0.00020.
gnomAD v4.1: 533 of 1,613,796 alleles (0.033%); highest among the groups gnomAD compares: Non-Finnish European, 0.043%; 1 homozygote.

Submissions (4):

Labcorp Genetics (formerly Invitae), Labcorp
Classification: Likely benign for Peroxisome biogenesis disorder. Last evaluated: 2026-01-09. Review status: criteria provided, single submitter. Criteria: Invitae Variant Classification Sherloc (09022015). Collection method: clinical testing. Allele origin: germline.

Blueprint Genetics
Classification: Likely benign. Last evaluated: 2024-04-23. Review status: criteria provided, single submitter. Criteria: ACMG Guidelines, 2015. Collection method: clinical testing. Allele origin: germline.

Eurofins Ntd Llc (ga)
Classification: Uncertain significance. Last evaluated: 2017-07-28. Review status: criteria provided, single submitter. Criteria: EGL Classification Definitions 2015. Collection method: clinical testing. Allele origin: germline. Observed: 2 variant alleles, 2 heterozygotes.

PreventionGenetics, part of Exact Sciences
Classification: Likely benign for PEX16-related condition. Last evaluated: 2019-04-19. Review status: no assertion criteria provided. Collection method: clinical testing. Allele origin: germline. Not counted in ClinVar's aggregate classification.
Comment: This variant is classified as likely benign based on ACMG/AMP sequence variant interpretation guidelines (Richards et al. 2015 PMID: 25741868, with internal and published modifications).